The following is an entry in ClinVar:

NM_001470.4(GABBR1):c.1276G>A (p.Glu426Lys)

Gene: GABBR1 (gamma-aminobutyric acid type B receptor subunit 1; minus strand). Cytogenetic location: 6p22.1.
Variant type: single nucleotide variant.
Coding change: c.1276G>A on transcript NM_001470.4 (MANE Select); coding-DNA position 1276, G replaced by A.
Protein change: p.Glu426Lys; replaces glutamic acid 426 with lysine.
Molecular consequence: missense variant.
Genome position (GRCh38, 1-based): chr6:29,621,148, C>T on the plus strand (G>A on the coding strand, the complement: GABBR1 is on the minus strand). VCF-style: chr6-29621148-C-T. GRCh37 (hg19) VCF-style: chr6-29588925-C-T.
Other names: c.745G>A, p.Glu249Lys (NM_001319053.2); c.925G>A, p.Glu309Lys (NM_021903.3); c.1090G>A, p.Glu364Lys (NM_021904.4); short protein forms E249K, E309K, E364K, E426K.
Identifiers: ClinVar variation 4538311 (VCV004538311.1).

ClinVar aggregate classification (germline): Uncertain significance (1 of 4 stars; one submission).

Submission:

Greenwood Genetic Center Diagnostic Laboratories, Greenwood Genetic Center
Classification: Uncertain significance. Last evaluated: 2025-06-16. Review status: criteria provided, single submitter. Criteria: ACMG Guidelines, 2015. Collection method: clinical testing. Allele origin: germline. Affected: yes.
Comment: PM2, PP2, PP3